The following is an entry in ClinVar:

ClinVar aggregate classification (germline): Uncertain significance (1 of 4 stars; one submission).

Submission:

Labcorp Genetics (formerly Invitae), Labcorp
Classification: Uncertain significance. Last evaluated: 2025-03-03. Review status: criteria provided, single submitter. Criteria: Invitae Variant Classification Sherloc (09022015). Collection method: clinical testing. Allele origin: germline.
Comment: This sequence change replaces threonine, which is neutral and polar, with isoleucine, which is neutral and non-polar, at codon 516 of the ZSWIM6 protein (p.Thr516Ile). This variant is not present in population databases (gnomAD no frequency). This variant has not been reported in the literature in individuals affected with ZSWIM6-related conditions. An algorithm developed to predict the effect of missense changes on protein structure and function (PolyPhen-2) suggests that this variant is likely to be tolerated. In summary, the available evidence is currently insufficient to determine the role of this variant in disease. Therefore, it has been classified as a Variant of Uncertain Significance.

NM_020928.2(ZSWIM6):c.1547C>T (p.Thr516Ile)

Gene: ZSWIM6 (zinc finger SWIM-type containing 6; plus strand). Cytogenetic location: 5q12.1.
Variant type: single nucleotide variant.
Coding change: c.1547C>T on transcript NM_020928.2 (MANE Select); coding-DNA position 1547, C replaced by T.
Protein change: p.Thr516Ile; replaces threonine 516 with isoleucine.
Molecular consequence: missense variant.
Genome position (GRCh38, 1-based): chr5:61,525,833, C>T. VCF-style: chr5-61525833-C-T. GRCh37 (hg19) VCF-style: chr5-60821660-C-T.
Other names: short protein forms T516I.
Identifiers: ClinVar variation 4695763 (VCV004695763.1).